The following is an entry in ClinVar:

ClinVar aggregate classification (germline): Uncertain significance. Review status: criteria provided, multiple submitters, no conflicts (2 of 4 stars). 4 submissions from 4 submitters: Uncertain significance (4). Last evaluated 2025-07-08.

Conditions:
RYR1-related disorder. Also called: RYR1-related condition; RYR1-related disorders. Identifiers: MedGen CN239331.
Congenital multicore myopathy with external ophthalmoplegia (CMYO1B). Also called: Congenital myopathy 1B, autosomal recessive; Minicore myopathy; MULTICORE MYOPATHY; Minicore myopathy with external ophthalmoplegia; MULTIMINICORE DISEASE WITH EXTERNAL OPHTHALMOPLEGIA. Identifiers: Orphanet 598, Orphanet 98905, MedGen C1850674, MONDO:0009712, OMIM 255320, HP:0003789.
Malignant hyperthermia, susceptibility to, 1 (MHS1). Also called: Anesthesia related hyperthermia; Malignant hyperpyrexia; Fulminating hyperpyrexia; Pharmacogenic myopathy; RYR1-Related Malignant Hyperthermia Susceptibility; Malignant hyperthermia suceptibility 1. Identifiers: Orphanet 423, MedGen C2930980, MONDO:0007783, OMIM 145600.
King Denborough syndrome (KDS). Identifiers: MedGen C1840365, MONDO:0020485, OMIM 619542.
Congenital myopathy with fiber type disproportion. Also called: Congenital fiber-type disproportion; Congenital fiber-type disproportion myopathy. Identifiers: Orphanet 2020, MedGen C0546264, MONDO:0009711. Inheritance: all.
Central core myopathy (CMYO1A). Also called: CONGENITAL MYOPATHY 1A, AUTOSOMAL DOMINANT, WITH SUSCEPTIBILITY TO MALIGNANT HYPERTHERMIA; Central core disease; Myopathy, central fibrillar. Identifiers: Orphanet 597, MedGen C5830701, MONDO:0007294, OMIM 117000.
Inborn genetic diseases. Identifiers: MedGen C0950123, MeSH D030342.

Allele frequency attached by ClinVar (database versions not stated): gnomAD exomes below 0.00001.
gnomAD v4.1: 2 of 1,613,768 alleles (0.00012%); highest among the groups gnomAD compares: Non-Finnish European, 0.00017%; no homozygotes.

Submissions (4):

Color Diagnostics, LLC DBA Color Health
Classification: Uncertain significance for Malignant hyperthermia, susceptibility to, 1. Last evaluated: 2025-07-08. Review status: criteria provided, single submitter. Criteria: ACMG Guidelines, 2015. Collection method: clinical testing. Allele origin: germline.
Comment: This missense variant replaces proline with serine at codon 3297 of the RYR1 protein. Computational prediction suggests that this variant may not impact protein structure and function. To our knowledge, functional studies have not been reported for this variant. This variant has not been reported in individuals affected with RYR1-related disorders in the literature. This variant has not been identified in the general population by the Genome Aggregation Database (gnomAD). The available evidence is insufficient to determine the role of this variant in disease conclusively. Therefore, this variant is classified as a Variant of Uncertain Significance.

Ambry Genetics
Classification: Uncertain significance for Inborn genetic diseases. Last evaluated: 2025-06-04. Review status: criteria provided, single submitter. Criteria: Ambry Variant Classification Scheme 2023. Collection method: clinical testing. Allele origin: germline.

Labcorp Genetics (formerly Invitae), Labcorp
Classification: Uncertain significance for RYR1-related disorder. Last evaluated: 2025-02-02. Review status: criteria provided, single submitter. Criteria: Invitae Variant Classification Sherloc (09022015). Collection method: clinical testing. Allele origin: germline.
Comment: This sequence change replaces proline, which is neutral and non-polar, with serine, which is neutral and polar, at codon 3297 of the RYR1 protein (p.Pro3297Ser). This variant is not present in population databases (gnomAD no frequency). This variant has not been reported in the literature in individuals affected with RYR1-related conditions. ClinVar contains an entry for this variant (Variation ID: 1482326). Invitae Evidence Modeling of protein sequence and biophysical properties (such as structural, functional, and spatial information, amino acid conservation, physicochemical variation, residue mobility, and thermodynamic stability) indicates that this missense variant is not expected to disrupt RYR1 protein function with a negative predictive value of 95%. In summary, the available evidence is currently insufficient to determine the role of this variant in disease. Therefore, it has been classified as a Variant of Uncertain Significance.

Fulgent Genetics
Classification: Uncertain significance for Central core myopathy; Malignant hyperthermia, susceptibility to, 1; Congenital myopathy 4A, autosomal dominant; Congenital multicore myopathy with external ophthalmoplegia; King Denborough syndrome. Last evaluated: 2021-10-20. Review status: criteria provided, single submitter. Criteria: ACMG Guidelines, 2015. Collection method: clinical testing. Allele origin: unknown.

NM_000540.3(RYR1):c.9889C>T (p.Pro3297Ser)

Gene: RYR1 (ryanodine receptor 1; plus strand). Cytogenetic location: 19q13.2.
Variant type: single nucleotide variant.
Coding change: c.9889C>T on transcript NM_000540.3 (MANE Select); coding-DNA position 9889, C replaced by T.
Protein change: p.Pro3297Ser; replaces proline 3297 with serine.
Molecular consequence: missense variant.
Genome position (GRCh38, 1-based): chr19:38,517,562, C>T. VCF-style: chr19-38517562-C-T. GRCh37 (hg19) VCF-style: chr19-39008202-C-T.
Other names: c.9889C>T (NM_000540.2); c.9889C>T, p.Pro3297Ser (NM_001042723.2); short protein forms P3297S.
Identifiers: ClinVar variation 1482326 (VCV001482326.9), dbSNP rs2145682498, ClinGen allele CA405692594.